The following is an entry in ClinVar:

NM_006767.4(LZTR1):c.1548C>T (p.Ala516=)

Gene: LZTR1 (leucine zipper like post translational regulator 1; plus strand). Cytogenetic location: 22q11.21.
Variant type: single nucleotide variant.
Coding change: c.1548C>T on transcript NM_006767.4 (MANE Select); coding-DNA position 1548, C replaced by T.
Protein change: p.Ala516=; no amino-acid change (alanine 516 retained).
Molecular consequence: synonymous variant.
Genome position (GRCh38, 1-based): chr22:20,994,202, C>T. VCF-style: chr22-20994202-C-T. GRCh37 (hg19) VCF-style: chr22-21348491-C-T.
Identifiers: ClinVar variation 766850 (VCV000766850.39), dbSNP rs545065457, ClinGen allele CA10118937.

ClinVar aggregate classification (germline): Benign/Likely benign. Review status: criteria provided, multiple submitters, no conflicts (2 of 4 stars). 6 submissions from 6 submitters: Benign (1); Likely benign (4). 1 of the submissions does not count toward it. Last evaluated 2026-01-27.

Conditions:
LZTR1-related disorder. Also called: LZTR1-related disorders; LZTR1-related condition.
Hereditary cancer-predisposing syndrome. Also called: Hereditary Cancer Syndrome; Tumor predisposition; Hereditary neoplastic syndrome; Neoplastic Syndromes, Hereditary. Identifiers: Orphanet 140162, MedGen C0027672, MeSH D009386, MONDO:0015356.
Cardiovascular phenotype. Identifiers: MedGen CN230736.

Allele frequency attached by ClinVar (database versions not stated): gnomAD exomes 0.00005; ExAC 0.00006; TOPMed 0.00007; gnomAD 0.00008; 1000 Genomes Project 30x 0.00016; 1000 Genomes Project 0.00020.

Submissions (6):

Labcorp Genetics (formerly Invitae), Labcorp
Classification: Likely benign. Last evaluated: 2026-01-27. Review status: criteria provided, single submitter. Criteria: Invitae Variant Classification Sherloc (09022015). Collection method: clinical testing. Allele origin: germline.

CeGaT Center for Human Genetics Tuebingen
Classification: Likely benign. Last evaluated: 2025-12-01. Review status: criteria provided, single submitter. Criteria: CeGaT Center For Human Genetics Tuebingen Variant Classification Criteria Version 2. Collection method: clinical testing. Allele origin: germline. Affected: yes. Observed: 2 variant alleles.
Comment: LZTR1: BP4, BP7

Blueprint Genetics
Classification: Likely benign. Last evaluated: 2024-11-06. Review status: criteria provided, single submitter. Criteria: ACMG Guidelines, 2015. Collection method: clinical testing. Allele origin: germline.

Women's Health and Genetics/Laboratory Corporation of America, LabCorp
Classification: Benign. Last evaluated: 2021-05-23. Review status: criteria provided, single submitter. Criteria: LabCorp Variant Classification Summary - May 2015. Collection method: clinical testing. Allele origin: germline.

Ambry Genetics
Classification: Likely benign for Cardiovascular phenotype; Hereditary cancer-predisposing syndrome. Last evaluated: 2021-02-26. Review status: criteria provided, single submitter. Criteria: Ambry Variant Classification Scheme 2023. Collection method: clinical testing. Allele origin: germline.

PreventionGenetics, part of Exact Sciences
Classification: Likely benign for LZTR1-related condition. Last evaluated: 2019-03-22. Review status: no assertion criteria provided. Collection method: clinical testing. Allele origin: germline. Not counted in ClinVar's aggregate classification.
Comment: This variant is classified as likely benign based on ACMG/AMP sequence variant interpretation guidelines (Richards et al. 2015 PMID: 25741868, with internal and published modifications).